The following is an entry in ClinVar:

NM_006766.5(KAT6A):c.2965GAG[6] (p.Glu993_Pro994insGlu)

Gene: KAT6A (lysine acetyltransferase 6A; minus strand). Cytogenetic location: 8p11.21.
Variant type: Microsatellite.
Coding change: c.2965GAG[6] on transcript NM_006766.5 (MANE Select); six copies in a row of the 3-base unit GAG starting at c.2965; the reference has five copies in a row; one copy, 3 bases duplicated.
Protein change: p.Glu993_Pro994insGlu.
Molecular consequence: inframe insertion.
Genome position (GRCh38, 1-based): chr8:41,940,902-41,940,904, CTC duplicated on the plus strand (GAG on the coding strand, the reverse complement: KAT6A is on the minus strand); duplicating any 3 consecutive bases within chr8:41,940,902-41,940,916 gives the same sequence; the position shown is the placement nearest the transcript's 3' end. VCF-style (leftmost placement, unchanged base first): chr8-41940901-G-GCTC. GRCh37 (hg19) VCF-style: chr8-41798419-G-GCTC.
Identifiers: ClinVar variation 2719205 (VCV002719205.3), dbSNP rs139076845, ClinGen allele CA4729793.

ClinVar aggregate classification (germline): Uncertain significance (1 of 4 stars; one submission).

Submission:

Labcorp Genetics (formerly Invitae), Labcorp
Classification: Uncertain significance. Last evaluated: 2025-12-08. Review status: criteria provided, single submitter. Criteria: Invitae Variant Classification Sherloc (09022015). Collection method: clinical testing. Allele origin: germline.
Comment: This variant, c.2977_2979dup, results in the insertion of 1 amino acid(s) of the KAT6A protein (p.Glu993dup), but otherwise preserves the integrity of the reading frame. This variant is present in population databases (rs756253672, gnomAD 0.08%), and has an allele count higher than expected for a pathogenic variant. This variant has not been reported in the literature in individuals affected with KAT6A-related conditions. In summary, the available evidence is currently insufficient to determine the role of this variant in disease. Therefore, it has been classified as a Variant of Uncertain Significance.